The following is an entry in ClinVar:

NM_006005.3(WFS1):c.2580C>G (p.His860Gln)

Gene: WFS1 (wolframin ER transmembrane glycoprotein; plus strand). Cytogenetic location: 4p16.1.
Variant type: single nucleotide variant.
Coding change: c.2580C>G on transcript NM_006005.3 (MANE Select); coding-DNA position 2580, C replaced by G.
Protein change: p.His860Gln; replaces histidine 860 with glutamine.
Molecular consequence: missense variant.
Genome position (GRCh38, 1-based): chr4:6,302,375, C>G. VCF-style: chr4-6302375-C-G. GRCh37 (hg19) VCF-style: chr4-6304102-C-G.
Other names: c.2580C>G, p.His860Gln (NM_001145853.1); short protein forms H860Q.
Identifiers: ClinVar variation 425328 (VCV000425328.44), dbSNP rs754802246, ClinGen allele CA16621817.

ClinVar aggregate classification (germline): Uncertain significance. Review status: criteria provided, multiple submitters, no conflicts (2 of 4 stars). 2 submissions from 2 submitters: Uncertain significance (2). Last evaluated 2024-03-22.

gnomAD v4.1: 4 of 1,613,128 alleles (0.00025%); highest among the groups gnomAD compares: Non-Finnish European, 0.00034%; no homozygotes.

Submissions (2):

GeneDx
Classification: Uncertain significance. Last evaluated: 2024-03-22. Review status: criteria provided, single submitter. Criteria: GeneDx Variant Classification Process June 2021. Collection method: clinical testing. Allele origin: germline. Affected: yes.
Comment: Not observed at significant frequency in large population cohorts (gnomAD); In silico analysis supports that this missense variant does not alter protein structure/function; Has not been previously published as pathogenic or benign to our knowledge

CeGaT Center for Human Genetics Tuebingen
Classification: Uncertain significance. Last evaluated: 2016-09-01. Review status: criteria provided, single submitter. Criteria: CeGaT Center For Human Genetics Tuebingen Variant Classification Criteria Version 2. Collection method: clinical testing. Allele origin: germline. Affected: yes. Observed: 1 variant allele.